The following is an entry in ClinVar:

ClinVar aggregate classification (germline): Likely pathogenic. Review status: criteria provided, multiple submitters, no conflicts (2 of 4 stars). 3 submissions from 3 submitters: Likely pathogenic (3). Last evaluated 2023-04-18.

Conditions:
Coffin-Siris syndrome. Identifiers: Orphanet 1465, MedGen C0265338, MONDO:0015452.
SMARCB1-related disorder. Also called: SMARCB1-related condition; SMARCB1-related disorders.

Submissions (3):

Women's Health and Genetics/Laboratory Corporation of America, LabCorp
Classification: Likely pathogenic for Coffin-Siris syndrome. Last evaluated: 2023-04-18. Review status: criteria provided, single submitter. Criteria: LabCorp Variant Classification Summary - May 2015. Collection method: clinical testing. Allele origin: germline.
Comment: Variant summary: SMARCB1 c.986+2T>C is located in a canonical splice-site and is predicted to affect mRNA splicing resulting in a significantly altered protein due to either exon skipping, shortening, or inclusion of intronic material. Several computational tools predict a significant impact on normal splicing: Three predict the variant abolishes a 5' splicing donor site. However, these predictions have yet to be confirmed by functional studies. The variant was absent in 251156 control chromosomes. To our knowledge, no occurrence of c.986+2T>C in individuals affected with Coffin-Siris Syndrome and no experimental evidence demonstrating its impact on protein function have been reported. However, a different variant at this location, c.986+2T>A, has been reported in at least one patient affected with atypical teratoid/ rhabdoid tumors (AT/RT; PMID 24933152). One clinical diagnostic laboratory has submitted clinical-significance assessments for this variant to ClinVar after 2014 and classified the variant as likely pathogenic. Based on the evidence outlined above, the variant was classified as likely pathogenic.

Labcorp Genetics (formerly Invitae), Labcorp
Classification: Likely pathogenic. Last evaluated: 2022-09-19. Review status: criteria provided, single submitter. Criteria: Invitae Variant Classification Sherloc (09022015). Collection method: clinical testing. Allele origin: germline.
Comment: This sequence change affects a donor splice site in intron 7 of the SMARCB1 gene. It is expected to disrupt RNA splicing. Variants that disrupt the donor or acceptor splice site typically lead to a loss of protein function (PMID: 16199547), and loss-of-function variants in SMARCB1 are known to be pathogenic (PMID: 10521299, 21208904). This variant is not present in population databases (gnomAD no frequency). Disruption of this splice site has been observed in individual(s) with atypical teratoid/rhabdoid tumor (PMID: 21108436, 24933152). ClinVar contains an entry for this variant (Variation ID: 987873). Algorithms developed to predict the effect of sequence changes on RNA splicing suggest that this variant may disrupt the consensus splice site. In summary, the currently available evidence indicates that the variant is pathogenic, but additional data are needed to prove that conclusively. Therefore, this variant has been classified as Likely Pathogenic.

Blueprint Genetics
Classification: Likely pathogenic for SMARCB1-related disorders. Last evaluated: 2020-09-15. Review status: criteria provided, single submitter. Criteria: ACMG Guidelines, 2015. Collection method: clinical testing. Allele origin: germline. Affected: yes. Observed: 2 variant alleles.

Literature cited by the submitters: PubMed 16199547 (cited by Labcorp Genetics (formerly Invitae), Labcorp); PubMed 10521299 (cited by Labcorp Genetics (formerly Invitae), Labcorp); PubMed 21208904 (cited by Labcorp Genetics (formerly Invitae), Labcorp); PubMed 21108436 (cited by Labcorp Genetics (formerly Invitae), Labcorp); PubMed 24933152 (cited by Labcorp Genetics (formerly Invitae), Labcorp).

NM_003073.5(SMARCB1):c.986+2T>C

Gene: SMARCB1 (SWI/SNF related BAF chromatin remodeling complex subunit B1; plus strand). Cytogenetic location: 22q11.23.
Variant type: single nucleotide variant.
Coding change: c.986+2T>C on transcript NM_003073.5 (MANE Select); the canonical splice donor site of the intron after coding-DNA position 986, T replaced by C.
Molecular consequence: splice donor variant.
Genome position (GRCh38, 1-based): chr22:23,825,417, T>C. VCF-style: chr22-23825417-T-C. GRCh37 (hg19) VCF-style: chr22-24167604-T-C.
Other names: c.959+2T>C (NM_001007468.3); c.1040+2T>C (NM_001362877.2); c.1013+2T>C (NM_001317946.2).
Identifiers: ClinVar variation 987873 (VCV000987873.7), dbSNP rs2030331202, ClinGen allele CA410908391.